The following is an entry in ClinVar:

ClinVar aggregate classification (germline): Uncertain significance (1 of 4 stars; one submission).

Conditions:
NR0B2-related disorder. Also called: NR0B2-related condition.

Allele frequency attached by ClinVar (database versions not stated): gnomAD exomes 0.00001; ExAC 0.00003; ESP Exome Variant Server 0.00008; TOPMed 0.00010; gnomAD 0.00011.
gnomAD v4.1: 43 of 1,614,186 alleles (0.0027%); highest among the groups gnomAD compares: African/African-American, 0.031%; no homozygotes.

Submission:

PreventionGenetics, part of Exact Sciences
Classification: Uncertain significance for NR0B2-related condition. Last evaluated: 2026-08-14. Review status: criteria provided, single submitter. Criteria: ACMG Guidelines, 2015. Collection method: clinical testing. Allele origin: germline.
Comment: The NR0B2 c.632A>G variant is predicted to result in the amino acid substitution p.Gln211Arg. To our knowledge, this variant has not been reported in the literature. This variant is reported in 0.040% of alleles in individuals of African descent in gnomAD. At this time, the clinical significance of this variant is uncertain due to the absence of conclusive functional and genetic evidence.

NM_021969.3(NR0B2):c.632A>G (p.Gln211Arg)

Genes: NR0B2 (nuclear receptor subfamily 0 group B member 2; minus strand), NUDC (nuclear distribution C, dynein complex regulator; plus strand). Cytogenetic location: 1p36.11.
Variant type: single nucleotide variant.
Coding change: c.632A>G on transcript NM_021969.3 (MANE Select); coding-DNA position 632, A replaced by G.
Protein change: p.Gln211Arg; replaces glutamine 211 with arginine.
Molecular consequence: missense variant.
Genome position (GRCh38, 1-based): chr1:26,911,987, T>C on the plus strand (A>G on the coding strand, the complement: NR0B2 is on the minus strand). VCF-style: chr1-26911987-T-C. GRCh37 (hg19) VCF-style: chr1-27238478-T-C.
Other names: short protein forms Q211R.
Identifiers: ClinVar variation 3060024 (VCV003060024.3), dbSNP rs145183788, ClinGen allele CA709567.